The following is an entry in ClinVar:

NM_001283009.2(RTEL1):c.290G>T (p.Gly97Val)

Genes: RTEL1 (regulator of telomere elongation helicase 1; plus strand), RTEL1-TNFRSF6B (RTEL1-TNFRSF6B readthrough (NMD candidate); plus strand). Cytogenetic location: 20q13.33.
Variant type: single nucleotide variant.
Coding change: c.290G>T on transcript NM_001283009.2 (MANE Select); coding-DNA position 290, G replaced by T.
Protein change: p.Gly97Val; replaces glycine 97 with valine.
Molecular consequence: missense variant. On other transcripts: non-coding transcript variant (1), 5 prime UTR variant (1).
Genome position (GRCh38, 1-based): chr20:63,661,485, G>T. VCF-style: chr20-63661485-G-T. GRCh37 (hg19) VCF-style: chr20-62292838-G-T.
Other names: c.-380G>T (NM_001283010.1); c.290G>T, p.Gly97Val (NM_016434.4, NM_032957.5); short protein forms G97V.
Identifiers: ClinVar variation 3791151 (VCV003791151.1).

ClinVar aggregate classification (germline): Uncertain significance (1 of 4 stars; one submission).

Conditions:
Inborn genetic diseases. Identifiers: MedGen C0950123, MeSH D030342.

gnomAD v4.1: 1 of 1,610,902 alleles (0.000062%); no homozygotes.

Submission:

Ambry Genetics
Classification: Uncertain significance for Inborn genetic diseases. Last evaluated: 2025-02-14. Review status: criteria provided, single submitter. Criteria: Ambry Variant Classification Scheme 2023. Collection method: clinical testing. Allele origin: germline.
Comment: The p.G97V variant (also known as c.290G>T), located in coding exon 2 of the RTEL1 gene, results from a G to T substitution at nucleotide position 290. The glycine at codon 97 is replaced by valine, an amino acid with dissimilar properties. This amino acid position is conserved. In addition, this alteration is predicted to be tolerated by in silico analysis. Based on the available evidence, the clinical significance of this variant remains unclear.